The following is an entry in ClinVar:

NC_000001.10:g.(?_44201934)_(44257840_?)dup

Gene: ST3GAL3 (ST3 beta-galactoside alpha-2,3-sialyltransferase 3; plus strand). Cytogenetic location: 1p34.1.
Variant type: Duplication.
Identifiers: ClinVar variation 1436939 (VCV001436939.5).

ClinVar aggregate classification (germline): Uncertain significance (1 of 4 stars; one submission).

Conditions:
Developmental and epileptic encephalopathy. Identifiers: MedGen C5779964, MONDO:0100620.

Submission:

Labcorp Genetics (formerly Invitae), Labcorp
Classification: Uncertain significance for Early-infantile DEE. Last evaluated: 2021-04-14. Review status: criteria provided, single submitter. Criteria: Invitae Variant Classification Sherloc (09022015). Collection method: clinical testing. Allele origin: germline.
Comment: In summary, the available evidence is currently insufficient to determine the role of this variant in disease. Therefore, it has been classified as a Variant of Uncertain Significance. Experimental studies and prediction algorithms are not available or were not evaluated, and the functional significance of this variant is currently unknown. This variant has not been reported in the literature in individuals with ST3GAL3-related conditions. This variant results in a copy number gain of the genomic region encompassing exon(s) 2-3 of the ST3GAL3 gene. This region includes the initiator codon of the gene. The 5' end of this event is unknown as it extends beyond the assayed region for this gene and therefore may encompass additional genes. The 3' boundary is likely confined to intron 3 of the ST3GAL3 gene. As the precise location of this event is unknown, it may be in tandem or it may be located elsewhere in the genome.